The following is an entry in ClinVar:

NM_025103.4(IFT74):c.1597T>C (p.Leu533=)

Gene: IFT74 (intraflagellar transport 74; plus strand). Cytogenetic location: 9p21.2.
Variant type: single nucleotide variant.
Coding change: c.1597T>C on transcript NM_025103.4 (MANE Select); coding-DNA position 1597, T replaced by C.
Protein change: p.Leu533=; no amino-acid change (leucine 533 retained).
Molecular consequence: synonymous variant.
Genome position (GRCh38, 1-based): chr9:27,056,433, T>C. VCF-style: chr9-27056433-T-C. GRCh37 (hg19) VCF-style: chr9-27056431-T-C.
Other names: c.1597T>C, p.Leu533= (NM_001099222.3, NM_001099223.3, NM_001349928.2); c.1597T>C (NM_025103.2).
Identifiers: ClinVar variation 1583211 (VCV001583211.9), dbSNP rs368362684, ClinGen allele CA5015710.

ClinVar aggregate classification (germline): Likely benign. Review status: criteria provided, single submitter (1 of 4 stars). 2 submissions from 2 submitters: Likely benign (1). 1 of the submissions does not count toward it. Last evaluated 2024-09-15.

Conditions:
IFT74-related disorder. Also called: IFT74-related condition; IFT74-Related Disorders.

Allele frequency attached by ClinVar (database versions not stated): gnomAD exomes 0.00002 and 0.00003; TOPMed 0.00004; gnomAD 0.00005 and 0.00006; ExAC 0.00006; ESP Exome Variant Server 0.00008.
gnomAD v4.1: 34 of 1,597,268 alleles (0.0021%); highest among the groups gnomAD compares: African/African-American, 0.011%; no homozygotes.

Submissions (2):

Labcorp Genetics (formerly Invitae), Labcorp
Classification: Likely benign. Last evaluated: 2024-09-15. Review status: criteria provided, single submitter. Criteria: Invitae Variant Classification Sherloc (09022015). Collection method: clinical testing. Allele origin: germline.

PreventionGenetics, part of Exact Sciences
Classification: Likely benign for IFT74-related condition. Last evaluated: 2024-07-05. Review status: no assertion criteria provided. Collection method: clinical testing. Allele origin: germline. Not counted in ClinVar's aggregate classification.
Comment: This variant is classified as likely benign based on ACMG/AMP sequence variant interpretation guidelines (Richards et al. 2015 PMID: 25741868, with internal and published modifications).